The following is an entry in ClinVar:

NM_212482.4(FN1):c.1992C>A (p.Asn664Lys)

Gene: FN1 (fibronectin 1; minus strand). Cytogenetic location: 2q35.
Variant type: single nucleotide variant.
Coding change: c.1992C>A on transcript NM_212482.4 (MANE Select); coding-DNA position 1992, C replaced by A.
Protein change: p.Asn664Lys; replaces asparagine 664 with lysine.
Molecular consequence: missense variant.
Genome position (GRCh38, 1-based): chr2:215,410,064, G>T on the plus strand (C>A on the coding strand, the complement: FN1 is on the minus strand). VCF-style: chr2-215410064-G-T. GRCh37 (hg19) VCF-style: chr2-216274787-G-T.
Other names: c.1992C>A, p.Asn664Lys (NM_001306129.2, NM_001306130.2, NM_001306131.2 and 13 more transcripts); short protein forms N664K.
Identifiers: ClinVar variation 4721397 (VCV004721397.1).

ClinVar aggregate classification (germline): Uncertain significance (1 of 4 stars; one submission).

Submission:

Labcorp Genetics (formerly Invitae), Labcorp
Classification: Uncertain significance. Last evaluated: 2025-10-01. Review status: criteria provided, single submitter. Criteria: Invitae Variant Classification Sherloc (09022015). Collection method: clinical testing. Allele origin: germline.
Comment: This sequence change replaces asparagine, which is neutral and polar, with lysine, which is basic and polar, at codon 664 of the FN1 protein (p.Asn664Lys). This variant is not present in population databases (gnomAD no frequency). This variant has not been reported in the literature in individuals affected with FN1-related conditions. An algorithm developed to predict the effect of missense changes on protein structure and function (PolyPhen-2) suggests that this variant is likely to be disruptive. In summary, the available evidence is currently insufficient to determine the role of this variant in disease. Therefore, it has been classified as a Variant of Uncertain Significance.